The following is an entry in ClinVar:

ClinVar aggregate classification (germline): Uncertain significance. Review status: criteria provided, multiple submitters, no conflicts (2 of 4 stars). 2 submissions from 2 submitters: Uncertain significance (2). Last evaluated 2025-03-01.

Conditions:
Inborn genetic diseases. Identifiers: MedGen C0950123, MeSH D030342.

Allele frequency attached by ClinVar (database versions not stated): ExAC 0.00001; TOPMed 0.00003; gnomAD 0.00004.
gnomAD v4.1: 43 of 1,613,998 alleles (0.0027%); highest among the groups gnomAD compares: Admixed American, 0.0083%; no homozygotes.

Submissions (2):

Labcorp Genetics (formerly Invitae), Labcorp
Classification: Uncertain significance. Last evaluated: 2025-03-01. Review status: criteria provided, single submitter. Criteria: Invitae Variant Classification Sherloc (09022015). Collection method: clinical testing. Allele origin: germline.
Comment: This sequence change replaces aspartic acid, which is acidic and polar, with asparagine, which is neutral and polar, at codon 629 of the PHF21A protein (p.Asp629Asn). This variant is present in population databases (rs759120687, gnomAD 0.01%). This variant has not been reported in the literature in individuals affected with PHF21A-related conditions. ClinVar contains an entry for this variant (Variation ID: 2188834). Invitae Evidence Modeling of protein sequence and biophysical properties (such as structural, functional, and spatial information, amino acid conservation, physicochemical variation, residue mobility, and thermodynamic stability) indicates that this missense variant is not expected to disrupt PHF21A protein function with a negative predictive value of 80%. In summary, the available evidence is currently insufficient to determine the role of this variant in disease. Therefore, it has been classified as a Variant of Uncertain Significance.

Ambry Genetics
Classification: Uncertain significance for Inborn genetic diseases. Last evaluated: 2024-09-11. Review status: criteria provided, single submitter. Criteria: Ambry Variant Classification Scheme 2023. Collection method: clinical testing. Allele origin: germline.

NM_001352027.3(PHF21A):c.1888G>A (p.Asp630Asn)

Gene: PHF21A (PHD finger protein 21A; minus strand). Cytogenetic location: 11p11.2.
Variant type: single nucleotide variant.
Coding change: c.1888G>A on transcript NM_001352027.3 (MANE Select); coding-DNA position 1888, G replaced by A.
Protein change: p.Asp630Asn; replaces aspartic acid 630 with asparagine.
Molecular consequence: missense variant. On other transcripts: non-coding transcript variant (2).
Genome position (GRCh38, 1-based): chr11:45,934,126, C>T on the plus strand (G>A on the coding strand, the complement: PHF21A is on the minus strand). VCF-style: chr11-45934126-C-T. GRCh37 (hg19) VCF-style: chr11-45955677-C-T.
Other names: c.1885G>A, p.Asp629Asn (NM_001101802.3); c.1888G>A, p.Asp630Asn (NM_001352025.3, NM_001352026.3); c.1747G>A, p.Asp583Asn (NM_001352028.1, NM_001352029.1, NM_016621.5); c.1744G>A, p.Asp582Asn (NM_001352030.3, NM_001352031.3, NM_001352032.3); c.1885G>A (NM_001101802.1); short protein forms D582N, D583N, D629N, D630N.
Identifiers: ClinVar variation 2188834 (VCV002188834.5), dbSNP rs759120687, ClinGen allele CA5960936.
Genomic context (GRCh38, chr11:45,934,126, plus strand): 5'-AGTCCGGGCCATTGGAGATGGCCCCCACAGTGGCCTCAGAGTCTACAGGTTTGGAGAGGT[C>T]GATGCCGTGGATGAGGCGAATCAGCTGTTTTACCTTCTCCAGGGAGCTGTGCATCTCCTT-3'
Protein context (NP_001338956.1, residues 620-640): KQLIRLIHGI[Asp630Asn]LSKPVDSEAT